The following is an entry in ClinVar:

ClinVar aggregate classification (germline): Likely pathogenic (1 of 4 stars; one submission).

Conditions:
O'Donnell-Luria-Rodan syndrome (ODLURO). Also called: KMT2E-Related Neurodevelopmental Disorder. Identifiers: MedGen C5193138, MONDO:0032793, OMIM 618512.

Submission:

Women's Health and Genetics/Laboratory Corporation of America, LabCorp
Classification: Likely pathogenic for O''''DONNELL-LURIA-RODAN SYNDROME. Last evaluated: 2019-08-14. Review status: criteria provided, single submitter. Criteria: LabCorp Variant Classification Summary - May 2015. Collection method: clinical testing. Allele origin: germline.
Comment: Variant summary: KMT2E c.3917dupT (p.Pro1307ThrfsX6) results in a premature termination codon, predicted to cause a truncation of the encoded protein or absence of the protein due to nonsense mediated decay, which are commonly known mechanisms for disease. Truncations upstream- and downstream of this position have been reported in patients affected with O'Donnell-Luria-Rodan Syndrome (see PMID: 31079897, and in ClinVar) or related phenotypes (e.g. autism spectrum disorder, mental retardation; in HGMD and ClinVar). The variant was absent in 251178 control chromosomes (gnomAD). In addition, manual curation of all putative protein-truncating variants in the gnomAD database confirmed that those variants that are expected to result in true protein truncation are very rare in the KMT2E gene (PMID: 31079897). To our knowledge, no occurrence of c.3917dupT in individuals affected with O'Donnell-Luria-Rodan Syndrome and no experimental evidence demonstrating its impact on protein function have been reported. No clinical diagnostic laboratories have submitted clinical-significance assessments for this variant to ClinVar after 2014. Based on the evidence outlined above, the variant was classified as likely pathogenic.

NM_182931.3(KMT2E):c.3917dup (p.Pro1307fs)

Gene: KMT2E (lysine methyltransferase 2E (inactive); plus strand). Cytogenetic location: 7q22.3.
Variant type: Duplication.
Coding change: c.3917dup on transcript NM_182931.3 (MANE Select); coding-DNA position 3917, one base duplicated (T; older notation c.3917dupT).
Protein change: p.Pro1307fs; shifts the reading frame from proline 1307.
Molecular consequence: frameshift variant.
Genome position (GRCh38, 1-based): chr7:105,110,549, T duplicated. VCF-style (leftmost placement, unchanged base first): chr7-105110548-A-AT. GRCh37 (hg19) VCF-style: chr7-104750995-A-AT.
Other names: c.3917dup, p.Pro1307fs (NM_018682.4); short protein forms P1307fs.
Identifiers: ClinVar variation 928846 (VCV000928846.1), dbSNP rs1799183455, ClinGen allele CA1139660163.